The following is an entry in ClinVar:

ClinVar aggregate classification (germline): Likely benign. Review status: criteria provided, multiple submitters, no conflicts (2 of 4 stars). 2 submissions from 2 submitters: Likely benign (2). Last evaluated 2026-04-01.

Conditions:
Autosomal recessive limb-girdle muscular dystrophy type R18 (LGMDR18). Also called: Limb-girdle muscular dystrophy, type 2S; MUSCULAR DYSTROPHY, LIMB-GIRDLE, AUTOSOMAL RECESSIVE 18; Autosomal recessive limb-girdle muscular dystrophy type 2S. Identifiers: Orphanet 369840, MedGen C4517996, MONDO:0014144, OMIM 615356.

Allele frequency attached by ClinVar (database versions not stated): gnomAD 0.00001; TOPMed 0.00001.
gnomAD v4.1: 7 of 1,607,172 alleles (0.00044%); highest among the groups gnomAD compares: Admixed American, 0.0017%; no homozygotes.

Submissions (2):

CeGaT Center for Human Genetics Tuebingen
Classification: Likely benign. Last evaluated: 2026-04-01. Review status: criteria provided, single submitter. Criteria: CeGaT Center For Human Genetics Tuebingen Variant Classification Criteria Version 2. Collection method: clinical testing. Allele origin: germline. Affected: yes. Observed: 1 variant allele.
Comment: TRAPPC11: BP4, BP7

Labcorp Genetics (formerly Invitae), Labcorp
Classification: Likely benign for Autosomal recessive limb-girdle muscular dystrophy type R18. Last evaluated: 2025-08-10. Review status: criteria provided, single submitter. Criteria: Invitae Variant Classification Sherloc (09022015). Collection method: clinical testing. Allele origin: germline.

NM_021942.6(TRAPPC11):c.2592C>T (p.Thr864=)

Gene: TRAPPC11 (trafficking protein particle complex subunit 11; plus strand). Cytogenetic location: 4q35.1.
Variant type: single nucleotide variant.
Coding change: c.2592C>T on transcript NM_021942.6 (MANE Select); coding-DNA position 2592, C replaced by T.
Protein change: p.Thr864=; no amino-acid change (threonine 864 retained).
Molecular consequence: synonymous variant.
Genome position (GRCh38, 1-based): chr4:183,694,687, C>T. VCF-style: chr4-183694687-C-T. GRCh37 (hg19) VCF-style: chr4-184615840-C-T.
Other names: c.2592C>T, p.Thr864= (NM_199053.3).
Identifiers: ClinVar variation 541352 (VCV000541352.13), dbSNP rs760413718, ClinGen allele CA3152235.